The following is an entry in ClinVar:

NM_145239.3(PRRT2):c.232G>A (p.Ala78Thr)

Genes: MVP-DT (MVP divergent transcript; minus strand), PRRT2 (proline rich transmembrane protein 2; plus strand). Cytogenetic location: 16p11.2.
Variant type: single nucleotide variant.
Coding change: c.232G>A on transcript NM_145239.3 (MANE Select); coding-DNA position 232, G replaced by A.
Protein change: p.Ala78Thr; replaces alanine 78 with threonine.
Molecular consequence: missense variant.
Genome position (GRCh38, 1-based): chr16:29,813,286, G>A. VCF-style: chr16-29813286-G-A. GRCh37 (hg19) VCF-style: chr16-29824607-G-A.
Other names: c.232G>A, p.Ala78Thr (NM_001256442.2, NM_001256443.2); short protein forms A78T.
Identifiers: ClinVar variation 1023037 (VCV001023037.9), dbSNP rs1239520299, ClinGen allele CA395477766.

ClinVar aggregate classification (germline): Uncertain significance (1 of 4 stars; one submission).

Conditions:
Episodic kinesigenic dyskinesia (EKD). Also called: Paroxysmal kinesigenic dyskinesia. Identifiers: Orphanet 98809, MedGen C1868682, MONDO:0044202.

Submission:

Labcorp Genetics (formerly Invitae), Labcorp
Classification: Uncertain significance for Episodic kinesigenic dyskinesia. Last evaluated: 2022-11-15. Review status: criteria provided, single submitter. Criteria: Invitae Variant Classification Sherloc (09022015). Collection method: clinical testing. Allele origin: germline.
Comment: This sequence change replaces alanine, which is neutral and non-polar, with threonine, which is neutral and polar, at codon 78 of the PRRT2 protein (p.Ala78Thr). ClinVar contains an entry for this variant (Variation ID: 1023037). Advanced modeling of protein sequence and biophysical properties (such as structural, functional, and spatial information, amino acid conservation, physicochemical variation, residue mobility, and thermodynamic stability) performed at Invitae indicates that this missense variant is not expected to disrupt PRRT2 protein function. In summary, the available evidence is currently insufficient to determine the role of this variant in disease. Therefore, it has been classified as a Variant of Uncertain Significance. This variant is not present in population databases (gnomAD no frequency). This variant has not been reported in the literature in individuals affected with PRRT2-related conditions.